The following is an entry in ClinVar:

ClinVar aggregate classification (germline): Likely benign. Review status: criteria provided, multiple submitters, no conflicts (2 of 4 stars). 2 submissions from 2 submitters: Likely benign (2). Last evaluated 2025-01-13.

Conditions:
Jeune thoracic dystrophy. Also called: Jeune syndrome; Infantile thoracic dystrophy; Thoracic pelvic phalangeal dystrophy; Jeune's syndrome; Chondroectodermal dysplasia-like syndrome; Short-rib thoracic dysplasia. Identifiers: Orphanet 474, MedGen C0265275, MONDO:0018770.
Nephronophthisis. Also called: Juvenile Nephronophthisis. Identifiers: Orphanet 655, MedGen C0687120, MONDO:0019005, HP:0000090.
TTC21B-related disorder. Also called: TTC21B-related condition; TTC21B-related disorders.

Allele frequency attached by ClinVar (database versions not stated): gnomAD exomes below 0.00001; ExAC 0.00001.
gnomAD v4.1: 6 of 1,612,892 alleles (0.00037%); highest among the groups gnomAD compares: African/African-American, 0.0027%; no homozygotes.

Submissions (2):

PreventionGenetics, part of Exact Sciences
Classification: Likely benign for TTC21B-related condition. Last evaluated: 2025-01-13. Review status: criteria provided, single submitter. Criteria: ACMG Guidelines, 2015. Collection method: clinical testing. Allele origin: germline.
Comment: This variant is classified as likely benign based on ACMG/AMP sequence variant interpretation guidelines (Richards et al. 2015 PMID: 25741868, with internal and published modifications).

Labcorp Genetics (formerly Invitae), Labcorp
Classification: Likely benign for Jeune thoracic dystrophy; Nephronophthisis. Last evaluated: 2023-10-05. Review status: criteria provided, single submitter. Criteria: Invitae Variant Classification Sherloc (09022015). Collection method: clinical testing. Allele origin: germline.

NM_024753.5(TTC21B):c.3006C>T (p.Leu1002=)

Gene: TTC21B (tetratricopeptide repeat domain 21B; minus strand). Cytogenetic location: 2q24.3.
Variant type: single nucleotide variant.
Coding change: c.3006C>T on transcript NM_024753.5 (MANE Select); coding-DNA position 3006, C replaced by T.
Protein change: p.Leu1002=; no amino-acid change (leucine 1002 retained).
Molecular consequence: synonymous variant.
Genome position (GRCh38, 1-based): chr2:165,890,933, G>A on the plus strand (C>T on the coding strand, the complement: TTC21B is on the minus strand). VCF-style: chr2-165890933-G-A. GRCh37 (hg19) VCF-style: chr2-166747443-G-A.
Other names: c.3006C>T (NM_024753.4).
Identifiers: ClinVar variation 2923263 (VCV002923263.4), dbSNP rs765379564, ClinGen allele CA1941618.
Genomic context (GRCh38, chr2:165,890,933, plus strand): 5'-TTCCAATTTTGCTCTGGAGTTACGTTTCTCAGCCATTGAGAAAAATCTTGGGACATCCTC[G>A]AGTTTTCCACATCTTCTTAGGAGATCAATCAAACGAGATAATGTCATATAATTATCTAGA-3'
Protein context (NP_079029.3, residues 992-1012): LIDLLRRCGK[Leu1002=]EDVPRFFSMA